The following is an entry in ClinVar:

NM_052947.4(ALPK2):c.3372G>C (p.Glu1124Asp)

Gene: ALPK2 (alpha kinase 2; minus strand). Cytogenetic location: 18q21.31.
Variant type: single nucleotide variant.
Coding change: c.3372G>C on transcript NM_052947.4 (MANE Select); coding-DNA position 3372, G replaced by C.
Protein change: p.Glu1124Asp; replaces glutamic acid 1124 with aspartic acid.
Molecular consequence: missense variant.
Genome position (GRCh38, 1-based): chr18:58,536,815, C>G on the plus strand (G>C on the coding strand, the complement: ALPK2 is on the minus strand). VCF-style: chr18-58536815-C-G. GRCh37 (hg19) VCF-style: chr18-56204047-C-G.
Other names: short protein forms E1124D.
Identifiers: ClinVar variation 3228687 (VCV003228687.1), dbSNP rs917177846, ClinGen allele CA402568514.
Genomic context (GRCh38, chr18:58,536,815, plus strand): 5'-CTGGGACAGGCTCTGCTGCTGGACCCCCTGCTTTGTTTCACTTCCTCTTTCTTGGAAATT[C>G]TCTTCATAGCTCCTAAAGTCTGCTCTGTCCACAGTCTGGCTCTTATCTCCAGACAGGTTA-3'
Protein context (NP_443179.3, residues 1114-1134): VDRADFRSYE[Glu1124Asp]NFQERGSETK

ClinVar aggregate classification (germline): Uncertain significance (1 of 4 stars; one submission).

Submission:

Ambry Genetics
Classification: Uncertain significance. Last evaluated: 2024-02-22. Review status: criteria provided, single submitter. Criteria: Ambry Variant Classification Scheme 2023. Collection method: clinical testing. Allele origin: germline.
Comment: The p.E1124D variant (also known as c.3372G>C), located in coding exon 4 of the ALPK2 gene, results from a G to C substitution at nucleotide position 3372. The glutamic acid at codon 1124 is replaced by aspartic acid, an amino acid with highly similar properties. This amino acid position is conserved. In addition, this alteration is predicted to be tolerated by in silico analysis. Based on the available evidence, the clinical significance of this alteration remains unclear.